The following is an entry in ClinVar:

NM_001098511.3(KIF2A):c.2013+7T>A

Gene: KIF2A (kinesin family member 2A; plus strand). Cytogenetic location: 5q12.1.
Variant type: single nucleotide variant.
Coding change: c.2013+7T>A on transcript NM_001098511.3 (MANE Select); 7 bases into the intron after coding-DNA position 2013, T replaced by A.
Molecular consequence: intron variant.
Genome position (GRCh38, 1-based): chr5:62,377,769, T>A. VCF-style: chr5-62377769-T-A. GRCh37 (hg19) VCF-style: chr5-61673596-T-A.
Other names: c.1818+7T>A (NM_001243952.2); c.1899+7T>A (NM_004520.5); c.1842+7T>A (NM_001243953.2).
Identifiers: ClinVar variation 2986050 (VCV002986050.3), dbSNP rs1349917326, ClinGen allele CA559826823.

ClinVar aggregate classification (germline): Uncertain significance (1 of 4 stars; one submission).

Allele frequency attached by ClinVar (database versions not stated): TOPMed below 0.00001; gnomAD exomes 0.00003.
gnomAD v4.1: 34 of 1,393,904 alleles (0.0024%); highest among the groups gnomAD compares: Non-Finnish European, 0.0033%; no homozygotes.

Submission:

Labcorp Genetics (formerly Invitae), Labcorp
Classification: Uncertain significance. Last evaluated: 2023-07-19. Review status: criteria provided, single submitter. Criteria: Invitae Variant Classification Sherloc (09022015). Collection method: clinical testing. Allele origin: germline.
Comment: This variant is not present in population databases (gnomAD no frequency). This sequence change falls in intron 19 of the KIF2A gene. It does not directly change the encoded amino acid sequence of the KIF2A protein. This variant has not been reported in the literature in individuals affected with KIF2A-related conditions. Algorithms developed to predict the effect of sequence changes on RNA splicing suggest that this variant may disrupt the consensus splice site. In summary, the available evidence is currently insufficient to determine the role of this variant in disease. Therefore, it has been classified as a Variant of Uncertain Significance.